The following is an entry in ClinVar:

NM_002354.3(EPCAM):c.64G>T (p.Ala22Ser)

Gene: EPCAM (epithelial cell adhesion molecule; plus strand). Cytogenetic location: 2p21.
Variant type: single nucleotide variant.
Coding change: c.64G>T on transcript NM_002354.3 (MANE Select); coding-DNA position 64, G replaced by T.
Protein change: p.Ala22Ser; replaces alanine 22 with serine.
Molecular consequence: missense variant.
Genome position (GRCh38, 1-based): chr2:47,369,569, G>T. VCF-style: chr2-47369569-G-T. GRCh37 (hg19) VCF-style: chr2-47596708-G-T.
Other names: short protein forms A22S.
Identifiers: ClinVar variation 2477729 (VCV002477729.2), dbSNP rs2103738227, ClinGen allele CA346721456.
Genomic context (GRCh38, chr2:47,369,569, plus strand): 5'-GCGCCCCCGCAGGTCCTCGCGTTCGGGCTTCTGCTTGCCGCGGCGACGGCGACTTTTGCC[G>T]CAGCTCAGGAAGGTGAGGCGCGGATTGGAGCAGAGTTGTGGAGCTGGGCTGGGCTGGGGG-3'
Protein context (NP_002345.2, residues 12-32): LLAAATATFA[Ala22Ser]AQEECVCENY

ClinVar aggregate classification (germline): Uncertain significance (1 of 4 stars; one submission).

Conditions:
Hereditary cancer-predisposing syndrome. Also called: Neoplastic Syndromes, Hereditary; Hereditary neoplastic syndrome; Tumor predisposition; Hereditary Cancer Syndrome. Identifiers: Orphanet 140162, MedGen C0027672, MeSH D009386, MONDO:0015356.

gnomAD v4.1: 2 of 1,589,300 alleles (0.00013%); highest among the groups gnomAD compares: Non-Finnish European, 0.00017%; no homozygotes.

Submission:

Ambry Genetics
Classification: Uncertain significance for Hereditary cancer-predisposing syndrome. Last evaluated: 2022-12-07. Review status: criteria provided, single submitter. Criteria: Ambry Variant Classification Scheme 2023. Collection method: clinical testing. Allele origin: germline.
Comment: The p.A22S variant (also known as c.64G>T), located in coding exon 1 of the EPCAM gene, results from a G to T substitution at nucleotide position 64. The alanine at codon 22 is replaced by serine, an amino acid with similar properties. This amino acid position is conserved. In addition, this alteration is predicted to be tolerated by in silico analysis. Since supporting evidence is limited at this time, the clinical significance of this alteration remains unclear.